The following is an entry in ClinVar:

NM_004168.4(SDHA):c.682A>T (p.Asn228Tyr)

Gene: SDHA (succinate dehydrogenase complex flavoprotein subunit A; plus strand). Cytogenetic location: 5p15.33.
Variant type: single nucleotide variant.
Coding change: c.682A>T on transcript NM_004168.4 (MANE Select); coding-DNA position 682, A replaced by T.
Protein change: p.Asn228Tyr; replaces asparagine 228 with tyrosine.
Molecular consequence: missense variant.
Genome position (GRCh38, 1-based): chr5:228,245, A>T. VCF-style: chr5-228245-A-T. GRCh37 (hg19) VCF-style: chr5-228360-A-T.
Other names: c.538A>T, p.Asn180Tyr (NM_001294332.2); c.682A>T, p.Asn228Tyr (NM_001330758.2); c.682A>T (NM_004168.2); short protein forms N180Y, N228Y.
Identifiers: ClinVar variation 1403213 (VCV001403213.9), dbSNP rs2126558556, ClinGen allele CA359010927.

ClinVar aggregate classification (germline): Uncertain significance. Review status: criteria provided, multiple submitters, no conflicts (2 of 4 stars). 2 submissions from 2 submitters: Uncertain significance (2). Last evaluated 2026-08-15.

Conditions:
Hereditary cancer-predisposing syndrome. Also called: Hereditary Cancer Syndrome; Neoplastic Syndromes, Hereditary; Hereditary neoplastic syndrome; Tumor predisposition. Identifiers: Orphanet 140162, MedGen C0027672, MeSH D009386, MONDO:0015356.
Mitochondrial complex II deficiency, nuclear type 1. Also called: SUCCINATE CoQ REDUCTASE DEFICIENCY. Identifiers: Orphanet 3208, MedGen C5700310, MONDO:0100294, OMIM 252011.
Pheochromocytoma/paraganglioma syndrome 5. Also called: Paragangliomas 5; SDHA-Related Hereditary Paraganglioma-Pheochromocytoma Syndrome. Identifiers: Orphanet 29072, MedGen C3279992, MONDO:0013602, OMIM 614165.

Submissions (2):

Ambry Genetics
Classification: Uncertain significance for Hereditary cancer-predisposing syndrome. Last evaluated: 2026-08-15. Review status: criteria provided, single submitter. Criteria: Ambry Variant Classification Scheme 2023. Collection method: clinical testing. Allele origin: germline.
Comment: The p.N228Y variant (also known as c.682A>T), located in coding exon 6 of the SDHA gene, results from an A to T substitution at nucleotide position 682. The asparagine at codon 228 is replaced by tyrosine, an amino acid with dissimilar properties. This amino acid position is conserved. In addition, this alteration is predicted to be tolerated by in silico analysis. Based on the available evidence, the clinical significance of this variant remains unclear.

Labcorp Genetics (formerly Invitae), Labcorp
Classification: Uncertain significance for Pheochromocytoma/paraganglioma syndrome 5; Mitochondrial complex II deficiency, nuclear type 1. Last evaluated: 2022-04-28. Review status: criteria provided, single submitter. Criteria: Invitae Variant Classification Sherloc (09022015). Collection method: clinical testing. Allele origin: germline.
Comment: In summary, the available evidence is currently insufficient to determine the role of this variant in disease. Therefore, it has been classified as a Variant of Uncertain Significance. Algorithms developed to predict the effect of sequence changes on RNA splicing suggest that this variant may create or strengthen a splice site. Advanced modeling of protein sequence and biophysical properties (such as structural, functional, and spatial information, amino acid conservation, physicochemical variation, residue mobility, and thermodynamic stability) performed at Invitae indicates that this missense variant is not expected to disrupt SDHA protein function. This variant has not been reported in the literature in individuals affected with SDHA-related conditions. This variant is not present in population databases (gnomAD no frequency). This sequence change replaces asparagine, which is neutral and polar, with tyrosine, which is neutral and polar, at codon 228 of the SDHA protein (p.Asn228Tyr).